The following is an entry in ClinVar:

ClinVar aggregate classification (germline): Pathogenic. Review status: no assertion criteria provided (0 of 4 stars). 2 submissions from 2 submitters: Pathogenic (2). Last evaluated 2012-09-13.

Conditions:
Pallister-Hall syndrome (PHS). Also called: GLI3-Related Pallister-Hall Syndrome; HYPOTHALAMIC HAMARTOBLASTOMA, HYPOPITUITARISM, IMPERFORATE ANUS, AND POSTAXIAL POLYDACTYLY. Identifiers: Orphanet 672, MedGen C0265220, MONDO:0007804, OMIM 146510.

Submissions (2):

GeneReviews
Classification: Pathogenic for Pallister-Hall Syndrome. Last evaluated: 2012-09-13. Review status: no assertion criteria provided. Collection method: curation. Allele origin: unknown.
ClinVar note: Converted during submission from pathologic to Pathogenic.

OMIM
Classification: Pathogenic for PALLISTER-HALL SYNDROME. Last evaluated: 2003-03-01. Review status: no assertion criteria provided. Collection method: literature only. Allele origin: germline.

Literature cited by the submitters: PubMed 9148633 (cited by OMIM); PubMed 12545275 (cited by OMIM).

NM_000168.5(GLI3):c.2770_2771insNC_012920.1:g.12243..12314

Gene: GLI3 (GLI family zinc finger 3; minus strand). Cytogenetic location: 7p14.1.
Variant type: Insertion.
Coding change: c.2770_2771insNC_012920.1:g.12243..12314 on transcript NM_000168.5; coding-DNA positions 2770 to 2771, an insertion.
Identifiers: ClinVar variation 13823 (VCV000013823.3).